The following is an entry in ClinVar:

NM_006390.4(IPO8):c.3078C>T (p.Ser1026=)

Gene: IPO8 (importin 8; minus strand). Cytogenetic location: 12p11.21.
Variant type: single nucleotide variant.
Coding change: c.3078C>T on transcript NM_006390.4 (MANE Select); coding-DNA position 3078, C replaced by T.
Protein change: p.Ser1026=; no amino-acid change (serine 1026 retained).
Molecular consequence: synonymous variant.
Genome position (GRCh38, 1-based): chr12:30,630,896, G>A on the plus strand (C>T on the coding strand, the complement: IPO8 is on the minus strand). VCF-style: chr12-30630896-G-A. GRCh37 (hg19) VCF-style: chr12-30783830-G-A.
Other names: c.2463C>T, p.Ser821= (NM_001190995.2).
Identifiers: ClinVar variation 3770900 (VCV003770900.13).

ClinVar aggregate classification (germline): Likely benign (1 of 4 stars; one submission).

gnomAD v4.1: 92 of 1,613,562 alleles (0.0057%); highest among the groups gnomAD compares: South Asian, 0.022%; 1 homozygote.

Submission:

CeGaT Center for Human Genetics Tuebingen
Classification: Likely benign. Last evaluated: 2025-01-01. Review status: criteria provided, single submitter. Criteria: CeGaT Center For Human Genetics Tuebingen Variant Classification Criteria Version 2. Collection method: clinical testing. Allele origin: germline. Affected: yes. Observed: 1 variant allele.
Comment: IPO8: BP4, BP7